The following is an entry in ClinVar:

ClinVar aggregate classification (germline): Uncertain significance (1 of 4 stars; one submission).

Conditions:
Cohen syndrome (COH1). Also called: PEPPER SYNDROME; Cutis verticis gyrata, retinitis pigmentosa, and sensorineural deafness. Identifiers: Orphanet 193, MedGen C0265223, MONDO:0008999, OMIM 216550.

gnomAD v4.1: 4 of 1,612,650 alleles (0.00025%); highest among the groups gnomAD compares: Admixed American, 0.0017%; no homozygotes.

Submission:

Labcorp Genetics (formerly Invitae), Labcorp
Classification: Uncertain significance for Cohen syndrome. Last evaluated: 2022-03-12. Review status: criteria provided, single submitter. Criteria: Invitae Variant Classification Sherloc (09022015). Collection method: clinical testing. Allele origin: germline.
Comment: This sequence change replaces proline, which is neutral and non-polar, with leucine, which is neutral and non-polar, at codon 3130 of the VPS13B protein (p.Pro3130Leu). This variant is present in population databases (no rsID available, gnomAD 0.003%). This variant has not been reported in the literature in individuals affected with VPS13B-related conditions. Algorithms developed to predict the effect of missense changes on protein structure and function output the following: SIFT: "Not Available"; PolyPhen-2: "Possibly Damaging"; Align-GVGD: "Not Available". The leucine amino acid residue is found in multiple mammalian species, which suggests that this missense change does not adversely affect protein function. In summary, the available evidence is currently insufficient to determine the role of this variant in disease. Therefore, it has been classified as a Variant of Uncertain Significance.

NM_152564.5(VPS13B):c.9314C>T (p.Pro3105Leu)

Gene: VPS13B (vacuolar protein sorting 13 homolog B; plus strand). Cytogenetic location: 8q22.2.
Variant type: single nucleotide variant.
Coding change: c.9314C>T on transcript NM_152564.5 (MANE Select); coding-DNA position 9314, C replaced by T.
Protein change: p.Pro3105Leu; replaces proline 3105 with leucine.
Molecular consequence: missense variant.
Genome position (GRCh38, 1-based): chr8:99,823,962, C>T. VCF-style: chr8-99823962-C-T. GRCh37 (hg19) VCF-style: chr8-100836190-C-T.
Other names: c.9389C>T, p.Pro3130Leu (NM_017890.5); short protein forms P3105L, P3130L.
Identifiers: ClinVar variation 1982399 (VCV001982399.1), dbSNP rs1169875086, ClinGen allele CA371780505.